The following is an entry in ClinVar:

NM_014795.4(ZEB2):c.1253G>T (p.Gly418Val)

Gene: ZEB2 (zinc finger E-box binding homeobox 2; minus strand). Cytogenetic location: 2q22.3.
Variant type: single nucleotide variant.
Coding change: c.1253G>T on transcript NM_014795.4 (MANE Select); coding-DNA position 1253, G replaced by T.
Protein change: p.Gly418Val; replaces glycine 418 with valine.
Molecular consequence: missense variant.
Genome position (GRCh38, 1-based): chr2:144,399,934, C>A on the plus strand (G>T on the coding strand, the complement: ZEB2 is on the minus strand). VCF-style: chr2-144399934-C-A. GRCh37 (hg19) VCF-style: chr2-145157501-C-A.
Other names: c.1181G>T, p.Gly394Val (NM_001171653.2); short protein forms G394V, G418V.
Identifiers: ClinVar variation 2914100 (VCV002914100.3), dbSNP rs1703287844, ClinGen allele CA348712252.

ClinVar aggregate classification (germline): Uncertain significance (1 of 4 stars; one submission).

Conditions:
Mowat-Wilson syndrome (MOWS). Also called: Classic Mowat-Wilson Syndrome. Identifiers: Orphanet 2152, MedGen C1856113, MONDO:0009341, OMIM 235730.

Submission:

Labcorp Genetics (formerly Invitae), Labcorp
Classification: Uncertain significance for Mowat-Wilson syndrome. Last evaluated: 2023-04-15. Review status: criteria provided, single submitter. Criteria: Invitae Variant Classification Sherloc (09022015). Collection method: clinical testing. Allele origin: germline.
Comment: Advanced modeling of protein sequence and biophysical properties (such as structural, functional, and spatial information, amino acid conservation, physicochemical variation, residue mobility, and thermodynamic stability) performed at Invitae indicates that this missense variant is not expected to disrupt ZEB2 protein function. In summary, the available evidence is currently insufficient to determine the role of this variant in disease. Therefore, it has been classified as a Variant of Uncertain Significance. This variant has not been reported in the literature in individuals affected with ZEB2-related conditions. This variant is not present in population databases (gnomAD no frequency). This sequence change replaces glycine, which is neutral and non-polar, with valine, which is neutral and non-polar, at codon 418 of the ZEB2 protein (p.Gly418Val).